The following is an entry in ClinVar:

ClinVar aggregate classification (germline): Pathogenic. Review status: criteria provided, multiple submitters, no conflicts (2 of 4 stars). 2 submissions from 2 submitters: Pathogenic (2). Last evaluated 2024-04-22.

Conditions:
BEST1-related disorder. Also called: BEST1-related condition; BEST1-related disorders. Identifiers: MedGen CN239200.

Submissions (2):

GeneDx
Classification: Pathogenic. Last evaluated: 2024-04-22. Review status: criteria provided, single submitter. Criteria: GeneDx Variant Classification Process June 2021. Collection method: clinical testing. Allele origin: germline. Affected: yes.
Comment: Not observed at significant frequency in large population cohorts (gnomAD); Canonical splice site variant predicted to result in a null allele in a gene for which loss of function is a known mechanism of disease; This variant is associated with the following publications: (PMID: 21273940)

Blueprint Genetics
Classification: Pathogenic for BEST1-related disorders. Last evaluated: 2017-11-15. Review status: criteria provided, single submitter. Criteria: ACMG Guidelines, 2015. Collection method: clinical testing. Allele origin: germline. Affected: yes. Observed: 2 variant alleles.

NM_004183.4(BEST1):c.1100+1_1100+10del

Gene: BEST1 (bestrophin 1; plus strand). Cytogenetic location: 11q12.3.
Variant type: Deletion.
Coding change: c.1100+1_1100+10del on transcript NM_004183.4 (MANE Select); the canonical splice donor site of the intron after coding-DNA position 1100 through 10 bases into the intron after coding-DNA position 1100, 10 bases deleted (GTGTGGCCAG; older notation c.1100+1_1100+10delGTGTGGCCAG).
Molecular consequence: splice donor variant.
Genome position (GRCh38, 1-based): chr11:61,960,044-61,960,053, GTGTGGCCAG deleted; deleting any 10 consecutive bases within chr11:61,960,041-61,960,053 gives the same sequence; the c. name uses the placement nearest the transcript's 3' end. VCF-style (leftmost placement, unchanged base first): chr11-61960040-TCAGGTGTGGC-T. GRCh37 (hg19) VCF-style: chr11-61727512-TCAGGTGTGGC-T.
Other names: c.1303+1_1303+10del (NM_001363592.2); c.1100+1_1100+10del (NM_001440571.1); c.1019+1_1019+10del (NM_001440572.1); c.947+1_947+10del (NM_001440573.1); c.920+1_920+10del (NM_001139443.3, NM_001300787.2); c.839+1_839+10del (NM_001440574.1, NM_001300786.2); c.767+1_767+10del (NM_001440575.1); c.686+1_686+10del (NM_001440576.1); and 2 more.
Identifiers: ClinVar variation 866911 (VCV000866911.3), dbSNP rs1941898895, ClinGen allele CA916083242.